The following is an entry in ClinVar:

ClinVar aggregate classification (germline): Conflicting classifications of pathogenicity. Review status: criteria provided, conflicting classifications (1 of 4 stars). 3 submissions from 3 submitters: Uncertain significance (2); Likely benign (1). Last evaluated 2024-12-02.

Conditions:
Inborn genetic diseases. Identifiers: MedGen C0950123, MeSH D030342.
Osteopathia striata with cranial sclerosis (OSCS). Also called: HYPEROSTOSIS GENERALISATA WITH STRIATIONS. Identifiers: Orphanet 2780, MedGen C0432268, MONDO:0010310, OMIM 300373.

Allele frequency attached by ClinVar (database versions not stated): gnomAD exomes 0.00001; ExAC 0.00002.

Submissions (3):

Ambry Genetics
Classification: Likely benign for Inborn genetic diseases. Last evaluated: 2024-12-02. Review status: criteria provided, single submitter. Criteria: Ambry Variant Classification Scheme 2023. Collection method: clinical testing. Allele origin: germline.

Labcorp Genetics (formerly Invitae), Labcorp
Classification: Uncertain significance. Last evaluated: 2022-12-22. Review status: criteria provided, single submitter. Criteria: Invitae Variant Classification Sherloc (09022015). Collection method: clinical testing. Allele origin: germline.
Comment: In summary, the available evidence is currently insufficient to determine the role of this variant in disease. Therefore, it has been classified as a Variant of Uncertain Significance. Algorithms developed to predict the effect of missense changes on protein structure and function output the following: SIFT: "Tolerated"; PolyPhen-2: "Benign"; Align-GVGD: "Class C0". The valine amino acid residue is found in multiple mammalian species, which suggests that this missense change does not adversely affect protein function. ClinVar contains an entry for this variant (Variation ID: 1691269). This variant has not been reported in the literature in individuals affected with AMER1-related conditions. This variant is present in population databases (rs369116388, gnomAD 0.001%). This sequence change replaces methionine, which is neutral and non-polar, with valine, which is neutral and non-polar, at codon 1044 of the AMER1 protein (p.Met1044Val).

Institute of Human Genetics, University of Goettingen
Classification: Uncertain significance for Osteopathia striata with cranial sclerosis. Last evaluated: 2022-06-06. Review status: criteria provided, single submitter. Criteria: ACMG Guidelines, 2015. Collection method: clinical testing. Allele origin: maternal. Inheritance: X-linked dominant inheritance. Observed: 1 hemizygote.

NM_152424.4(AMER1):c.3130A>G (p.Met1044Val)

Gene: AMER1 (APC membrane recruitment protein 1; minus strand). Cytogenetic location: Xq11.2.
Variant type: single nucleotide variant.
Coding change: c.3130A>G on transcript NM_152424.4 (MANE Select); coding-DNA position 3130, A replaced by G.
Protein change: p.Met1044Val; replaces methionine 1044 with valine.
Molecular consequence: missense variant.
Genome position (GRCh38, 1-based): chrX:64,190,157, T>C on the plus strand (A>G on the coding strand, the complement: AMER1 is on the minus strand). VCF-style: chrX-64190157-T-C. GRCh37 (hg19) VCF-style: chrX-63410037-T-C.
Other names: c.3130A>G (NM_152424.3); short protein forms M1044V.
Identifiers: ClinVar variation 1691269 (VCV001691269.9), dbSNP rs369116388, ClinGen allele CA10432100.